The following is an entry in ClinVar:

ClinVar aggregate classification (germline): Uncertain significance (1 of 4 stars; one submission).

Submission:

Labcorp Genetics (formerly Invitae), Labcorp
Classification: Uncertain significance. Last evaluated: 2023-09-12. Review status: criteria provided, single submitter. Criteria: Invitae Variant Classification Sherloc (09022015). Collection method: clinical testing. Allele origin: germline.
Comment: This sequence change replaces glutamine, which is neutral and polar, with arginine, which is basic and polar, at codon 159 of the MOCS3 protein (p.Gln159Arg). This variant is not present in population databases (gnomAD no frequency). This variant has not been reported in the literature in individuals affected with MOCS3-related conditions. Algorithms developed to predict the effect of missense changes on protein structure and function output the following: SIFT: "Not Available"; PolyPhen-2: "Benign"; Align-GVGD: "Not Available". The arginine amino acid residue is found in multiple mammalian species, which suggests that this missense change does not adversely affect protein function. In summary, the available evidence is currently insufficient to determine the role of this variant in disease. Therefore, it has been classified as a Variant of Uncertain Significance.

NM_014484.5(MOCS3):c.476A>G (p.Gln159Arg)

Gene: MOCS3 (molybdenum cofactor synthesis 3; plus strand). Cytogenetic location: 20q13.13.
Variant type: single nucleotide variant.
Coding change: c.476A>G on transcript NM_014484.5 (MANE Select); coding-DNA position 476, A replaced by G.
Protein change: p.Gln159Arg; replaces glutamine 159 with arginine.
Molecular consequence: missense variant.
Genome position (GRCh38, 1-based): chr20:50,959,318, A>G. VCF-style: chr20-50959318-A-G. GRCh37 (hg19) VCF-style: chr20-49575855-A-G.
Other names: short protein forms Q159R.
Identifiers: ClinVar variation 2758131 (VCV002758131.3), dbSNP rs2515743693, ClinGen allele CA408983100.